The following is an entry in ClinVar:

NM_001384140.1(PCDH15):c.2796_2802del (p.Gly933fs)

Gene: PCDH15 (protocadherin related 15; minus strand). Cytogenetic location: 10q21.1.
Variant type: Deletion.
Coding change: c.2796_2802del on transcript NM_001384140.1 (MANE Select); coding-DNA positions 2796 to 2802, 7 bases deleted (AGGGATG; older notation c.2796_2802delAGGGATG).
Protein change: p.Gly933fs; shifts the reading frame from glycine 933.
Molecular consequence: frameshift variant.
Genome position (GRCh38, 1-based): chr10:53,995,715-53,995,721, CATCCCT deleted on the plus strand (AGGGATG on the coding strand, the reverse complement: PCDH15 is on the minus strand). VCF-style (leftmost placement, unchanged base first): chr10-53995714-CCATCCCT-C. GRCh37 (hg19) VCF-style: chr10-55755474-CCATCCCT-C.
Other names: c.2811_2817del, p.Gly938fs (NM_001142763.2, NM_001142771.2); c.2796_2802del, p.Gly933fs (NM_001142764.2, NM_001142766.2, NM_001142770.3 and 5 more transcripts); c.2583_2589del, p.Gly862fs (NM_001142765.2); c.2685_2691del, p.Gly896fs (NM_001142767.2); c.2730_2736del, p.Gly911fs (NM_001142768.2, NM_001142773.2, NM_001354404.2); c.2832_2838delAGGGATG, p.Gly945Trpfs (NM_001142769.4); c.2817_2823del, p.Gly940fs (NM_001354411.2); short protein forms G862fs, G896fs, G911fs, G933fs, G938fs, G940fs, G945fs.
Identifiers: ClinVar variation 5015396 (VCV005015396.1).

ClinVar aggregate classification (germline): Pathogenic (1 of 4 stars; one submission).

Conditions:
Usher syndrome type 1F (USH1F). Also called: USHER SYNDROME, TYPE IF. Identifiers: Orphanet 231169, Orphanet 886, MedGen C1865885, MONDO:0011186, OMIM 602083.

Submission:

Myriad Genetics, Inc.
Classification: Pathogenic for Usher syndrome type 1F. Last evaluated: 2026-01-06. Review status: criteria provided, single submitter. Criteria: Myriad Autosomal Dominant, Autosomal Recessive and X-Linked Classification Criteria (2023). Collection method: clinical testing. Allele origin: unknown.
Comment: NM_033056.3(PCDH15):c.2796_2802del7(G933Wfs*29) is expected to be pathogenic in the context of PCDH15-related disorders. This variant is predicted to lead to an abnormal or absent protein product due to the creation of a premature termination codon in PCDH15, a gene where loss-of-function variants are known to be pathogenic. Please note: this variant was assessed in the context of healthy population screening.